The following is an entry in ClinVar:

ClinVar aggregate classification (germline): Uncertain significance (1 of 4 stars; one submission).

Submission:

Labcorp Genetics (formerly Invitae), Labcorp
Classification: Uncertain significance. Last evaluated: 2025-08-09. Review status: criteria provided, single submitter. Criteria: Invitae Variant Classification Sherloc (09022015). Collection method: clinical testing. Allele origin: germline.
Comment: This sequence change replaces proline, which is neutral and non-polar, with histidine, which is basic and polar, at codon 2 of the TGFB1 protein (p.Pro2His). Information on the frequency of this variant in the gnomAD database is not available, as this variant may be reported differently in the database. This variant has not been reported in the literature in individuals affected with TGFB1-related conditions. Experimental studies and prediction algorithms are not available or were not evaluated, and the functional significance of this variant is currently unknown. In summary, the available evidence is currently insufficient to determine the role of this variant in disease. Therefore, it has been classified as a Variant of Uncertain Significance.

NM_000660.7(TGFB1):c.5_6delinsAT (p.Pro2His)

Gene: TGFB1 (transforming growth factor beta 1; minus strand). Cytogenetic location: 19q13.2.
Variant type: Indel.
Coding change: c.5_6delinsAT on transcript NM_000660.7 (MANE Select); coding-DNA positions 5 to 6, CG replaced by AT.
Protein change: p.Pro2His; replaces proline 2 with histidine.
Molecular consequence: missense variant.
Genome position (GRCh38, 1-based): chr19:41,353,039-41,353,040, CG replaced by AT on the plus strand (CG replaced by AT on the coding strand, the reverse complement: TGFB1 is on the minus strand). VCF-style: chr19-41353039-CG-AT. GRCh37 (hg19) VCF-style: chr19-41858944-CG-AT.
Other names: short protein forms P2H.
Identifiers: ClinVar variation 4775396 (VCV004775396.1).
Genomic context (GRCh38, chr19:41,353,039, plus strand): 5'-CGTCAGCACCAGTAGCCACAGCAGCGGTAGCAGCAGCGGCAGCAGCCGCAGCCCGGAGGG[CG>AT]GCATGGGGGAGGCGGCGCCCCCCGGCACTGCCGAGAGCGCGAACAGGGCTGGTGTGGTGG-3'
Protein context (NP_000651.3, residues 1-12): M[Pro2His]PSGLRLLPLL